The following is an entry in ClinVar:

ClinVar aggregate classification (germline): Uncertain significance (1 of 4 stars; one submission).

Conditions:
3-Oxo-5 alpha-steroid delta 4-dehydrogenase deficiency (PPSH). Also called: FAMILIAL INCOMPLETE MALE PSEUDOHERMAPHRODITISM, TYPE 2; MALE PSEUDOHERMAPHRODITISM DUE TO 5-ALPHA-REDUCTASE DEFICIENCY; PSEUDOVAGINAL PERINEOSCROTAL HYPOSPADIAS; 46,XY disorder of sex development due to 5-alpha-reductase 2 deficiency. Identifiers: Orphanet 753, MedGen C0268297, MONDO:0009923, OMIM 264600. Disease mechanism: loss of function.

Allele frequency attached by ClinVar (database versions not stated): TOPMed 0.00002.
gnomAD v4.1: 1 of 1,609,054 alleles (0.000062%); no homozygotes.

Submission:

Labcorp Genetics (formerly Invitae), Labcorp
Classification: Uncertain significance for 3-Oxo-5 alpha-steroid delta 4-dehydrogenase deficiency. Last evaluated: 2021-09-05. Review status: criteria provided, single submitter. Criteria: Invitae Variant Classification Sherloc (09022015). Collection method: clinical testing. Allele origin: germline.
Comment: This sequence change replaces proline with serine at codon 9 of the SRD5A2 protein (p.Pro9Ser). The proline residue is moderately conserved and there is a moderate physicochemical difference between proline and serine. This variant is not present in population databases (ExAC no frequency). This variant has not been reported in the literature in individuals affected with SRD5A2-related conditions. Experimental studies and prediction algorithms are not available or were not evaluated, and the functional significance of this variant is currently unknown. In summary, the available evidence is currently insufficient to determine the role of this variant in disease. Therefore, it has been classified as a Variant of Uncertain Significance.

NM_000348.4(SRD5A2):c.25C>T (p.Pro9Ser)

Gene: SRD5A2 (steroid 5 alpha-reductase 2; minus strand). Cytogenetic location: 2p23.1.
Variant type: single nucleotide variant.
Coding change: c.25C>T on transcript NM_000348.4 (MANE Select); coding-DNA position 25, C replaced by T.
Protein change: p.Pro9Ser; replaces proline 9 with serine.
Molecular consequence: missense variant.
Genome position (GRCh38, 1-based): chr2:31,580,876, G>A on the plus strand (C>T on the coding strand, the complement: SRD5A2 is on the minus strand). VCF-style: chr2-31580876-G-A. GRCh37 (hg19) VCF-style: chr2-31805945-G-A.
Other names: short protein forms P9S.
Identifiers: ClinVar variation 1487365 (VCV001487365.3), dbSNP rs868322910, ClinGen allele CA45142066.